The following is an entry in ClinVar:

ClinVar aggregate classification (germline): Pathogenic (1 of 4 stars; one submission).

Conditions:
Usher syndrome type 1F (USH1F). Also called: USHER SYNDROME, TYPE IF. Identifiers: Orphanet 231169, Orphanet 886, MedGen C1865885, MONDO:0011186, OMIM 602083.

Submission:

Myriad Genetics, Inc.
Classification: Pathogenic for Usher syndrome type 1F. Last evaluated: 2026-08-06. Review status: criteria provided, single submitter. Criteria: Myriad Autosomal Dominant, Autosomal Recessive and X-Linked Classification Criteria (2023). Collection method: clinical testing. Allele origin: unknown.
Comment: NM_033056.3(PCDH15):c.2795_2796dupAA(G933Kfs*32) is expected to be pathogenic in the context of PCDH15-related disorders. This variant is predicted to lead to an abnormal or absent protein product due to the creation of a premature termination codon in PCDH15, a gene where loss-of-function variants are known to be pathogenic. Please note: this variant was assessed in the context of healthy population screening.

NM_001384140.1(PCDH15):c.2795_2796dup (p.Gly933fs)

Gene: PCDH15 (protocadherin related 15; minus strand). Cytogenetic location: 10q21.1.
Variant type: Duplication.
Coding change: c.2795_2796dup on transcript NM_001384140.1 (MANE Select); coding-DNA positions 2795 to 2796, 2 bases duplicated (AA; older notation c.2795_2796dupAA).
Protein change: p.Gly933fs; shifts the reading frame from glycine 933.
Molecular consequence: frameshift variant.
Genome position (GRCh38, 1-based): chr10:53,995,721-53,995,722, TT duplicated on the plus strand (AA on the coding strand, the reverse complement: PCDH15 is on the minus strand); duplicating any 2 consecutive bases within chr10:53,995,721-53,995,723 gives the same sequence; the c. name uses the placement nearest the transcript's 3' end. VCF-style (leftmost placement, unchanged base first): chr10-53995720-C-CTT. GRCh37 (hg19) VCF-style: chr10-55755480-C-CTT.
Other names: c.2810_2811dup, p.Gly938fs (NM_001142763.2, NM_001142771.2); c.2795_2796dup, p.Gly933fs (NM_001142764.2, NM_001142766.2, NM_001142770.3 and 5 more transcripts); c.2582_2583dup, p.Gly862fs (NM_001142765.2); c.2684_2685dup, p.Gly896fs (NM_001142767.2); c.2729_2730dup, p.Gly911fs (NM_001142768.2, NM_001142773.2, NM_001354404.2); c.2830_2831dup, p.Gly945Lysfs (NM_001142769.4); c.2816_2817dup, p.Gly940fs (NM_001354411.2); short protein forms G862fs, G896fs, G911fs, G933fs, G938fs, G940fs, G945fs.
Identifiers: ClinVar variation 5016201 (VCV005016201.1).